The following is an entry in ClinVar:

ClinVar aggregate classification (germline): Likely benign. Review status: criteria provided, multiple submitters, no conflicts (2 of 4 stars). 3 submissions from 3 submitters: Likely benign (3). Last evaluated 2026-02-01.

Conditions:
Luscan-Lumish syndrome. Identifiers: Orphanet 597738, MedGen C4085873, MONDO:0014791, OMIM 616831.

Allele frequency attached by ClinVar (database versions not stated): TOPMed 0.00012; gnomAD 0.00017 and 0.00012; gnomAD exomes 0.00017 and 0.00011; ExAC 0.00022; 1000 Genomes Project 0.00140; 1000 Genomes Project 30x 0.00141.
gnomAD v4.1: 185 of 1,551,756 alleles (0.012%); highest among the groups gnomAD compares: East Asian, 0.14%; no homozygotes.

Submissions (3):

CeGaT Center for Human Genetics Tuebingen
Classification: Likely benign. Last evaluated: 2026-02-01. Review status: criteria provided, single submitter. Criteria: CeGaT Center For Human Genetics Tuebingen Variant Classification Criteria Version 2. Collection method: clinical testing. Allele origin: germline. Affected: yes. Observed: 3 variant alleles.
Comment: SETD2: BP4, BP7

Labcorp Genetics (formerly Invitae), Labcorp
Classification: Likely benign for Luscan-Lumish syndrome. Last evaluated: 2025-04-23. Review status: criteria provided, single submitter. Criteria: Invitae Variant Classification Sherloc (09022015). Collection method: clinical testing. Allele origin: germline.

Blueprint Genetics
Classification: Likely benign. Last evaluated: 2024-07-16. Review status: criteria provided, single submitter. Criteria: ACMG Guidelines, 2015. Collection method: clinical testing. Allele origin: germline.

NM_014159.7(SETD2):c.558G>A (p.Pro186=)

Gene: SETD2 (SET domain containing 2, histone lysine methyltransferase; minus strand). Cytogenetic location: 3p21.31.
Variant type: single nucleotide variant.
Coding change: c.558G>A on transcript NM_014159.7 (MANE Select); coding-DNA position 558, G replaced by A.
Protein change: p.Pro186=; no amino-acid change (proline 186 retained).
Molecular consequence: synonymous variant. On other transcripts: non-coding transcript variant (1).
Genome position (GRCh38, 1-based): chr3:47,124,078, C>T on the plus strand (G>A on the coding strand, the complement: SETD2 is on the minus strand). VCF-style: chr3-47124078-C-T. GRCh37 (hg19) VCF-style: chr3-47165568-C-T.
Other names: c.426G>A, p.Pro142= (NM_001349370.3).
Identifiers: ClinVar variation 542237 (VCV000542237.35), dbSNP rs183095591, ClinGen allele CA2363745.
Genomic context (GRCh38, chr3:47,124,078, plus strand): 5'-TGCTGGTGATGAGAGTGTTGTGGCTTGGGCAGGTGGAGGCGGTGGAGGCGGAGATGAGGG[C>T]GGTGAGTCTACAGTTGTTGATTCTGCTATCACTGCTGGTAATGGTGCTGCATGAGTAGGT-3'
Protein context (NP_054878.5, residues 176-196): VIAESTTVDS[Pro186=]PSSPPPPPPP